The following is an entry in ClinVar:

NM_002900.3(RBP3):c.527A>G (p.Gln176Arg)

Gene: RBP3 (retinol binding protein 3; plus strand). Cytogenetic location: 10q11.22.
Variant type: single nucleotide variant.
Coding change: c.527A>G on transcript NM_002900.3 (MANE Select); coding-DNA position 527, A replaced by G.
Protein change: p.Gln176Arg; replaces glutamine 176 with arginine.
Molecular consequence: missense variant.
Genome position (GRCh38, 1-based): chr10:47,349,011, A>G. VCF-style: chr10-47349011-A-G. GRCh37 (hg19) VCF-style: chr10-48390351-T-C.
Other names: short protein forms Q176R.
Identifiers: ClinVar variation 1390499 (VCV001390499.6), dbSNP rs1836898952, ClinGen allele CA376665357.

ClinVar aggregate classification (germline): Uncertain significance (1 of 4 stars; one submission).

Allele frequency attached by ClinVar (database versions not stated): gnomAD exomes below 0.00001; TOPMed below 0.00001.

Submission:

Labcorp Genetics (formerly Invitae), Labcorp
Classification: Uncertain significance. Last evaluated: 2022-09-12. Review status: criteria provided, single submitter. Criteria: Invitae Variant Classification Sherloc (09022015). Collection method: clinical testing. Allele origin: germline.
Comment: ClinVar contains an entry for this variant (Variation ID: 1390499). In summary, the available evidence is currently insufficient to determine the role of this variant in disease. Therefore, it has been classified as a Variant of Uncertain Significance. Algorithms developed to predict the effect of missense changes on protein structure and function output the following: SIFT: "Tolerated"; PolyPhen-2: "Benign"; Align-GVGD: "Class C0". The arginine amino acid residue is found in multiple mammalian species, which suggests that this missense change does not adversely affect protein function. This variant has not been reported in the literature in individuals affected with RBP3-related conditions. This variant is not present in population databases (gnomAD no frequency). This sequence change replaces glutamine, which is neutral and polar, with arginine, which is basic and polar, at codon 176 of the RBP3 protein (p.Gln176Arg).